The following is an entry in ClinVar:

NM_014423.4(AFF4):c.2274A>G (p.Glu758=)

Gene: AFF4 (ALF transcription elongation factor 4; minus strand). Cytogenetic location: 5q31.1.
Variant type: single nucleotide variant.
Coding change: c.2274A>G on transcript NM_014423.4 (MANE Select); coding-DNA position 2274, A replaced by G.
Protein change: p.Glu758=; no amino-acid change (glutamic acid 758 retained).
Molecular consequence: synonymous variant.
Genome position (GRCh38, 1-based): chr5:132,896,356, T>C on the plus strand (A>G on the coding strand, the complement: AFF4 is on the minus strand). VCF-style: chr5-132896356-T-C. GRCh37 (hg19) VCF-style: chr5-132232048-T-C.
Other names: c.2274A>G (NM_014423.3).
Identifiers: ClinVar variation 2149067 (VCV002149067.7), dbSNP rs766764087, ClinGen allele CA3408976.
Genomic context (GRCh38, chr5:132,896,356, plus strand): 5'-AACAAACAACAAAAACCCTTCACAAACCTTATGCTTCCTCTTGCCTTTGTTGGAAACTTT[T>C]TCTGAGGCTTGTTTCTGAGCCTCTCTCGTGTGCTTTTCTGGCACATTTTTCTTTTCCCCC-3'
Protein context (NP_055238.1, residues 748-768): HTREAQKQAS[Glu758=]KVSNKGKRKH

ClinVar aggregate classification (germline): Likely benign. Review status: criteria provided, multiple submitters, no conflicts (2 of 4 stars). 3 submissions from 3 submitters: Likely benign (2). 1 of the submissions does not count toward it. Last evaluated 2025-10-19.

Conditions:
AFF4-related disorder. Also called: AFF4-related condition.
Cognitive impairment - coarse facies - heart defects - obesity - pulmonary involvement - short stature - skeletal dysplasia syndrome. Also called: Chops syndrome; COGNITIVE IMPAIRMENT, COARSE FACIES, HEART DEFECTS, OBESITY, PULMONARY INVOLVEMENT, SHORT STATURE, AND SKELETAL DYSPLASIA; AFF4-Related CHOPS Syndrome. Identifiers: Orphanet 444077, MedGen C4085597, MONDO:0014609, OMIM 616368.

Allele frequency attached by ClinVar (database versions not stated): ExAC 0.00003; TOPMed 0.00004; gnomAD 0.00005; gnomAD exomes 0.00009.
gnomAD v4.1: 137 of 1,598,172 alleles (0.0086%); highest among the groups gnomAD compares: Non-Finnish European, 0.011%; no homozygotes.

Submissions (3):

Labcorp Genetics (formerly Invitae), Labcorp
Classification: Likely benign for Cognitive impairment - coarse facies - heart defects - obesity - pulmonary involvement - short stature - skeletal dysplasia syndrome. Last evaluated: 2025-10-19. Review status: criteria provided, single submitter. Criteria: Invitae Variant Classification Sherloc (09022015). Collection method: clinical testing. Allele origin: germline.

Blueprint Genetics
Classification: Likely benign. Last evaluated: 2024-10-16. Review status: criteria provided, single submitter. Criteria: ACMG Guidelines, 2015. Collection method: clinical testing. Allele origin: germline.

PreventionGenetics, part of Exact Sciences
Classification: Likely benign for AFF4-related condition. Last evaluated: 2023-06-20. Review status: no assertion criteria provided. Collection method: clinical testing. Allele origin: germline. Not counted in ClinVar's aggregate classification.
Comment: This variant is classified as likely benign based on ACMG/AMP sequence variant interpretation guidelines (Richards et al. 2015 PMID: 25741868, with internal and published modifications).